The following is an entry in ClinVar:

NM_000540.3(RYR1):c.13027G>C (p.Ala4343Pro)

Gene: RYR1 (ryanodine receptor 1; plus strand). Cytogenetic location: 19q13.2.
Variant type: single nucleotide variant.
Coding change: c.13027G>C on transcript NM_000540.3 (MANE Select); coding-DNA position 13027, G replaced by C.
Protein change: p.Ala4343Pro; replaces alanine 4343 with proline.
Molecular consequence: missense variant.
Genome position (GRCh38, 1-based): chr19:38,565,361, G>C. VCF-style: chr19-38565361-G-C. GRCh37 (hg19) VCF-style: chr19-39056001-G-C.
Other names: c.13012G>C, p.Ala4338Pro (NM_001042723.2); short protein forms A4338P, A4343P.
Identifiers: ClinVar variation 2780359 (VCV002780359.1), dbSNP rs1204041410, ClinGen allele CA405673068.

ClinVar aggregate classification (germline): Uncertain significance (1 of 4 stars; one submission).

Conditions:
RYR1-related disorder. Also called: RYR1-related condition; RYR1-related disorders. Identifiers: MedGen CN239331.

gnomAD v4.1: 2 of 1,313,012 alleles (0.00015%); highest among the groups gnomAD compares: African/African-American, 0.0031%; no homozygotes.

Submission:

Labcorp Genetics (formerly Invitae), Labcorp
Classification: Uncertain significance for RYR1-related disorder. Last evaluated: 2022-12-01. Review status: criteria provided, single submitter. Criteria: Invitae Variant Classification Sherloc (09022015). Collection method: clinical testing. Allele origin: germline.
Comment: In summary, the available evidence is currently insufficient to determine the role of this variant in disease. Therefore, it has been classified as a Variant of Uncertain Significance. Advanced modeling of protein sequence and biophysical properties (such as structural, functional, and spatial information, amino acid conservation, physicochemical variation, residue mobility, and thermodynamic stability) performed at Invitae indicates that this missense variant is not expected to disrupt RYR1 protein function. This variant has not been reported in the literature in individuals affected with RYR1-related conditions. This variant is not present in population databases (gnomAD no frequency). This sequence change replaces alanine, which is neutral and non-polar, with proline, which is neutral and non-polar, at codon 4343 of the RYR1 protein (p.Ala4343Pro).